The following is an entry in ClinVar:

ClinVar aggregate classification (germline): Pathogenic (1 of 4 stars; one submission).

Conditions:
Spastic paraplegia-severe developmental delay-epilepsy syndrome. Also called: Spastic paraplegia and psychomotor retardation with or without seizures. Identifiers: Orphanet 464282, MedGen C4225215, MONDO:0014764, OMIM 616756.

Submission:

Victorian Clinical Genetics Services, Murdoch Childrens Research Institute
Classification: Pathogenic for Spastic paraplegia-severe developmental delay-epilepsy syndrome. Last evaluated: 2026-02-12. Review status: criteria provided, single submitter. Criteria: ACMG Guidelines, 2015. Collection method: clinical testing. Allele origin: germline. Affected: yes.
Comment: This variant is classified as Pathogenic. Evidence in support of pathogenic classification: Variant is predicted to cause nonsense-mediated decay (NMD) and loss of protein (premature termination codon is located at least 54 nucleotides upstream of the final exon-exon junction); Variant is present in gnomAD <0.01 for a recessive condition (v4: 5 heterozygote(s), 0 homozygote(s)). This variant is a multi-nucleotide variant and from the available read data, is annotated as two separate events in gnomAD; Other NMD-predicted variant(s) comparable to the one identified in this case have very strong previous evidence for pathogenicity (DECIPHER). Additional information: This variant is heterozygous; This gene is associated with autosomal recessive disease; This variant has no previous evidence of pathogenicity; No published evidence of segregation with disease has been identified for this variant; No published functional evidence has been identified for this variant; Loss of function is a known mechanism of disease in this gene and is associated with spastic paraplegia-severe developmental delay-epilepsy syndrome (MONDO:0014764).

NM_020771.4(HACE1):c.2464delinsTC (p.Asp822fs)

Gene: HACE1 (HECT domain and ankyrin repeat containing E3 ubiquitin protein ligase 1; minus strand). Cytogenetic location: 6q16.3.
Variant type: Indel.
Coding change: c.2464delinsTC on transcript NM_020771.4 (MANE Select); coding-DNA position 2464, G replaced by TC.
Protein change: p.Asp822fs; shifts the reading frame from aspartic acid 822.
Molecular consequence: frameshift variant. On other transcripts: non-coding transcript variant (7).
Genome position (GRCh38, 1-based): chr6:104,744,209, C replaced by GA on the plus strand (G replaced by TC on the coding strand, the reverse complement: HACE1 is on the minus strand). VCF-style: chr6-104744209-C-GA. GRCh37 (hg19) VCF-style: chr6-105192084-C-GA.
Other names: c.2332delinsTC, p.Asp778fs (NM_001321080.2); c.2362delinsTC, p.Asp788fs (NM_001321083.2); c.1960delinsTC, p.Asp654fs (NM_001321084.2, NM_001350557.2, NM_001350558.2); c.2230delinsTC, p.Asp744fs (NM_001350554.2); c.2173delinsTC, p.Asp725fs (NM_001350555.2); c.1978delinsTC, p.Asp660fs (NM_001350556.2); c.1882delinsTC, p.Asp628fs (NM_001350559.2); c.1681delinsTC, p.Asp561fs (NM_001350560.2); short protein forms D561fs, D628fs, D654fs, D660fs, D725fs, D744fs, D778fs, D788fs.
Identifiers: ClinVar variation 4879820 (VCV004879820.1).